The following is an entry in ClinVar:

ClinVar aggregate classification (germline): Uncertain significance (1 of 4 stars; one submission).

Conditions:
Peroxisome biogenesis disorder 5A (Zellweger) (PBD5A). Identifiers: Orphanet 912, MedGen C3553940, MONDO:0013932, OMIM 614866.

Allele frequency attached by ClinVar (database versions not stated): gnomAD exomes 0.00001; TOPMed 0.00001.
gnomAD v4.1: 8 of 1,614,140 alleles (0.0005%); highest among the groups gnomAD compares: Non-Finnish European, 0.00068%; no homozygotes.

Submission:

Labcorp Genetics (formerly Invitae), Labcorp
Classification: Uncertain significance for Peroxisome biogenesis disorder 5A (Zellweger). Last evaluated: 2021-12-27. Review status: criteria provided, single submitter. Criteria: Invitae Variant Classification Sherloc (09022015). Collection method: clinical testing. Allele origin: germline.
Comment: This sequence change replaces arginine, which is basic and polar, with glycine, which is neutral and non-polar, at codon 94 of the PEX2 protein (p.Arg94Gly). This variant is present in population databases (no rsID available, gnomAD 0.0009%). This variant has not been reported in the literature in individuals affected with PEX2-related conditions. Algorithms developed to predict the effect of missense changes on protein structure and function (SIFT, PolyPhen-2, Align-GVGD) all suggest that this variant is likely to be tolerated. In summary, the available evidence is currently insufficient to determine the role of this variant in disease. Therefore, it has been classified as a Variant of Uncertain Significance.

NM_000318.3(PEX2):c.280A>G (p.Arg94Gly)

Gene: PEX2 (peroxisomal biogenesis factor 2; minus strand). Cytogenetic location: 8q21.13.
Variant type: single nucleotide variant.
Coding change: c.280A>G on transcript NM_000318.3 (MANE Select); coding-DNA position 280, A replaced by G.
Protein change: p.Arg94Gly; replaces arginine 94 with glycine.
Molecular consequence: missense variant.
Genome position (GRCh38, 1-based): chr8:76,983,899, T>C on the plus strand (A>G on the coding strand, the complement: PEX2 is on the minus strand). VCF-style: chr8-76983899-T-C. GRCh37 (hg19) VCF-style: chr8-77896135-T-C.
Other names: c.280A>G, p.Arg94Gly (NM_001079867.2, NM_001172086.2, NM_001172087.2); short protein forms R94G.
Identifiers: ClinVar variation 1933051 (VCV001933051.2), dbSNP rs1180014413, ClinGen allele CA371557697.